The following is an entry in ClinVar:

ClinVar aggregate classification (germline): Pathogenic (1 of 4 stars; one submission).

Conditions:
Marfan syndrome (MFS). Also called: MARFAN SYNDROME, TYPE I; Marfan syndrome type 1; Marfan's syndrome; Marfan syndrome, classic; FBN1-Related Marfan Syndrome. Identifiers: Orphanet 284963, Orphanet 558, MedGen C0024796, MONDO:0007947, OMIM 154700.

Submission:

Division of Genetic & Genomic Pathology, Hong Kong Children's Hospital
Classification: Pathogenic for Marfan syndrome. Last evaluated: 2024-09-16. Review status: criteria provided, single submitter. Criteria: ACMG Guidelines, 2015. Collection method: clinical testing. Allele origin: de novo. Affected: yes. Observed: 1 variant allele.
Comment: The FBN1 c.6784del single nucleotide deletion is predicted to result in frameshift and premature termination, and FBN1 loss of function is a known mechanism of disease (PMID: 17657824, 19293843). This variant is absent from the Genome Aggregation Database (gnomAD v2.1.1 and gnomAD v4.1.0) and the Human Genome Mutation Database (HGMD Professional 2024.2). The nonsense c.6784C>T p.Q2262* variant affecting the same amino acid position and many other frameshift mutations resulting in similar truncated proteins have been reported in cases of Marfan syndrome (HGMD Professional 2021.4). Parental Sanger sequencing suggested that this was a de novo variant

NM_000138.5(FBN1):c.6784del (p.Gln2262fs)

Gene: FBN1 (fibrillin 1; minus strand). Cytogenetic location: 15q21.1.
Variant type: Deletion.
Coding change: c.6784del on transcript NM_000138.5 (MANE Select); coding-DNA position 6784, one base deleted (C; older notation c.6784delC).
Protein change: p.Gln2262fs; shifts the reading frame from glutamine 2262.
Molecular consequence: frameshift variant.
Genome position (GRCh38, 1-based): chr15:48,430,758, G deleted on the plus strand (C on the coding strand, the reverse complement: FBN1 is on the minus strand). VCF-style (leftmost placement, unchanged base first): chr15-48430757-TG-T. GRCh37 (hg19) VCF-style: chr15-48722954-TG-T.
Other names: c.6784del, p.Gln2262fs (NM_001406716.1); short protein forms Q2262fs.
Identifiers: ClinVar variation 3340489 (VCV003340489.2).